The following is an entry in ClinVar:

ClinVar aggregate classification (germline): Uncertain significance. Review status: criteria provided, multiple submitters, no conflicts (2 of 4 stars). 2 submissions from 2 submitters: Uncertain significance (2). Last evaluated 2025-11-24.

Conditions:
Cardiovascular phenotype. Identifiers: MedGen CN230736.
Hypertrophic cardiomyopathy. Also called: HYPERTROPHIC MYOCARDIOPATHY. Identifiers: Orphanet 217569, MedGen C0007194, MeSH D002312, MONDO:0005045, HP:0001639.

Submissions (2):

Labcorp Genetics (formerly Invitae), Labcorp
Classification: Uncertain significance for Hypertrophic cardiomyopathy. Last evaluated: 2025-11-24. Review status: criteria provided, single submitter. Criteria: Invitae Variant Classification Sherloc (09022015). Collection method: clinical testing. Allele origin: germline.
Comment: This sequence change replaces glutamic acid, which is acidic and polar, with glycine, which is neutral and non-polar, at codon 142 of the TPM1 protein (p.Glu142Gly). This variant is not present in population databases (gnomAD no frequency). This variant has not been reported in the literature in individuals affected with TPM1-related conditions. ClinVar contains an entry for this variant (Variation ID: 1739147). An algorithm developed to predict the effect of missense changes on protein structure and function (PolyPhen-2) suggests that this variant is likely to be disruptive. In summary, the available evidence is currently insufficient to determine the role of this variant in disease. Therefore, it has been classified as a Variant of Uncertain Significance.

Ambry Genetics
Classification: Uncertain significance for Cardiovascular phenotype. Last evaluated: 2021-02-04. Review status: criteria provided, single submitter. Criteria: Ambry Variant Classification Scheme 2023. Collection method: clinical testing. Allele origin: germline.
Comment: The p.E142G variant (also known as c.425A>G), located in coding exon 4 of the TPM1 gene, results from an A to G substitution at nucleotide position 425. The glutamic acid at codon 142 is replaced by glycine, an amino acid with similar properties. This amino acid position is highly conserved in available vertebrate species. In addition, this alteration is predicted to be deleterious by in silico analysis. Since supporting evidence is limited at this time, the clinical significance of this alteration remains unclear.

NM_001018005.2(TPM1):c.425A>G (p.Glu142Gly)

Gene: TPM1 (tropomyosin 1; plus strand). Cytogenetic location: 15q22.2.
Variant type: single nucleotide variant.
Coding change: c.425A>G on transcript NM_001018005.2 (MANE Select); coding-DNA position 425, A replaced by G.
Protein change: p.Glu142Gly; replaces glutamic acid 142 with glycine.
Molecular consequence: missense variant.
Genome position (GRCh38, 1-based): chr15:63,059,613, A>G. VCF-style: chr15-63059613-A-G. GRCh37 (hg19) VCF-style: chr15-63351812-A-G.
Other names: c.425A>G, p.Glu142Gly (NM_000366.6, NM_001018004.2, NM_001018006.2 and 20 more transcripts); c.317A>G, p.Glu106Gly (NM_001018008.2, NM_001301289.2, NM_001330344.2 and 9 more transcripts); c.551A>G, p.Glu184Gly (NM_001365778.1, NM_001407322.1, NM_001407323.1 and 1 more transcripts); short protein forms E142G, E184G, E106G.
Identifiers: ClinVar variation 1739147 (VCV001739147.4), dbSNP rs2542776149, ClinGen allele CA392722174.
Genomic context (GRCh38, chr15:63,059,613, plus strand): 5'-TTCTTTTCAGAGGCATGAAAGTCATTGAGAGTCGAGCCCAAAAAGATGAAGAAAAAATGG[A>G]AATTCAGGAGATCCAACTGAAAGAGGCCAAGCACATTGCTGAAGATGCCGACCGCAAATA-3'
Protein context (NP_001018005.1, residues 132-152): SRAQKDEEKM[Glu142Gly]IQEIQLKEAK